The following is an entry in ClinVar:

ClinVar aggregate classification (germline): Pathogenic (1 of 4 stars; one submission).

Conditions:
Hereditary breast ovarian cancer syndrome. Also called: Hereditary breast and ovarian cancer syndrome (HBOC); Hereditary breast and ovarian cancer syndrome; Hereditary breast and/or ovarian cancer syndrome; Hereditary breast and ovarian cancer; Breast and ovarian cancer; BRCA1- and BRCA2-Associated Hereditary Breast and Ovarian Cancer. Identifiers: Orphanet 145, MedGen C0677776, MeSH D061325, MONDO:0003582. Disease mechanism: loss of function.

Submission:

Labcorp Genetics (formerly Invitae), Labcorp
Classification: Pathogenic for Hereditary breast ovarian cancer syndrome. Last evaluated: 2023-11-21. Review status: criteria provided, single submitter. Criteria: Invitae Variant Classification Sherloc (09022015). Collection method: clinical testing. Allele origin: germline.
Comment: This sequence change creates a premature translational stop signal (p.Leu631*) in the BRCA1 gene. It is expected to result in an absent or disrupted protein product. Loss-of-function variants in BRCA1 are known to be pathogenic (PMID: 20104584). This variant is not present in population databases (gnomAD no frequency). This variant has not been reported in the literature in individuals affected with BRCA1-related conditions. For these reasons, this variant has been classified as Pathogenic.

Literature cited by the submitters: PubMed 20104584.

NM_007294.4(BRCA1):c.1890del (p.Asn630_Leu631insTer)

Gene: BRCA1 (BRCA1 DNA repair associated; minus strand). Cytogenetic location: 17q21.31.
Variant type: Deletion.
Coding change: c.1890del on transcript NM_007294.4 (MANE Select); coding-DNA position 1890, one base deleted (T; older notation c.1890delT).
Protein change: p.Asn630_Leu631insTer.
Molecular consequence: frameshift variant. On other transcripts: intron variant (137).
Genome position (GRCh38, 1-based): chr17:43,093,641, A deleted on the plus strand (T on the coding strand, the reverse complement: BRCA1 is on the minus strand). VCF-style (leftmost placement, unchanged base first): chr17-43093640-GA-G. GRCh37 (hg19) VCF-style: chr17-41245657-GA-G.
Other names: c.1677del, p.Asn559_Leu560insTer (NM_001407571.1, NM_001407853.1, NM_001407894.1 and 9 more transcripts); c.1890del, p.Asn630_Leu631insTer (NM_001407581.1, NM_001407582.1, NM_001407583.1 and 30 more transcripts); c.1887del, p.Asn629_Leu630insTer (NM_001407587.1, NM_001407590.1, NM_001407591.1 and 22 more transcripts); c.1881del, p.Asn627_Leu628insTer (NM_001407646.1, NM_001407647.1); c.1767del, p.Asn589_Leu590insTer (NM_001407648.1, NM_001407664.1, NM_001407665.1 and 19 more transcripts); c.1764del, p.Asn588_Leu589insTer (NM_001407649.1, NM_001407670.1, NM_001407671.1 and 11 more transcripts); c.1812del, p.Asn604_Leu605insTer (NM_001407653.1, NM_001407654.1, NM_001407655.1 and 4 more transcripts); c.1809del, p.Asn603_Leu604insTer (NM_001407659.1, NM_001407660.1, NM_001407661.1 and 1 more transcripts); and 40 more.
Identifiers: ClinVar variation 2855789 (VCV002855789.3), dbSNP rs2552197172, ClinGen allele CA2739265627.